The following is an entry in ClinVar:

ClinVar aggregate classification (germline): Pathogenic. Review status: reviewed by expert panel (3 of 4 stars). 3 submissions from 3 submitters: Pathogenic (1). 2 of the submissions do not count toward it. Last evaluated 2016-09-08.

Conditions:
Hereditary breast ovarian cancer syndrome. Also called: Hereditary breast and ovarian cancer syndrome (HBOC); Hereditary breast and ovarian cancer syndrome; Hereditary breast and ovarian cancer; Hereditary breast and/or ovarian cancer syndrome; Breast and ovarian cancer; BRCA1- and BRCA2-Associated Hereditary Breast and Ovarian Cancer. Identifiers: Orphanet 145, MedGen C0677776, MeSH D061325, MONDO:0003582. Disease mechanism: loss of function.
Breast-ovarian cancer, familial, susceptibility to, 1 (BROVCA1). Also called: OVARIAN CANCER, SUSCEPTIBILITY TO; BRCA1 Hereditary Breast and Ovarian Cancer. Identifiers: Orphanet 145, MedGen C2676676, MONDO:0011450, OMIM 604370. Disease mechanism: loss of function.

Submissions (3):

Evidence-based Network for the Interpretation of Germline Mutant Alleles (ENIGMA)
Classification: Pathogenic for Breast-ovarian cancer, familial, susceptibility to, 1. Last evaluated: 2016-09-08. Review status: reviewed by expert panel. Criteria: ENIGMA BRCA1/2 Classification Criteria (2015). Collection method: curation. Allele origin: germline.
Comment: Variant allele predicted to encode a truncated non-functional protein.

Women's Health and Genetics/Laboratory Corporation of America, LabCorp
Classification: Pathogenic for Hereditary breast ovarian cancer syndrome. Last evaluated: 2023-12-07. Review status: criteria provided, single submitter. Criteria: LabCorp Variant Classification Summary - May 2015. Collection method: clinical testing. Allele origin: germline. Not counted in ClinVar's aggregate classification.
Comment: Variant summary: BRCA1 c.3825dupA (p.Leu1276IlefsX11) results in a premature termination codon, predicted to cause a truncation of the encoded protein or absence of the protein due to nonsense mediated decay, which are commonly known mechanisms for disease. Variants downstream of this position have been classified as pathogenic by our laboratory. The variant was absent in 251148 control chromosomes. c.3825dupA has been reported in the literature in individuals affected with Hereditary Breast And Ovarian Cancer Syndrome (e.g. Bisgin_2022). To our knowledge, no experimental evidence demonstrating an impact on protein function has been reported. The following publication have been ascertained in the context of this evaluation (PMID: 35753294). One submitter has cited clinical-significance assessments for this variant to ClinVar after 2014 and has classified the variant as pathogenic. Based on the evidence outlined above, the variant was classified as pathogenic.

Sharing Clinical Reports Project (SCRP)
Classification: Pathogenic for Breast-ovarian cancer, familial 1. Last evaluated: 2007-06-22. Review status: no assertion criteria provided. Collection method: clinical testing. Allele origin: germline. Not counted in ClinVar's aggregate classification.

Literature cited by the submitters: PubMed 35753294 (cited by Women's Health and Genetics/Laboratory Corporation of America, LabCorp).

NM_007294.4(BRCA1):c.3825dup (p.Leu1276fs)

Genes: BRCA1 (BRCA1 DNA repair associated; minus strand), LOC126862571 (BRD4-independent group 4 enhancer GRCh37_chr17:41243136-41244335; plus strand). Cytogenetic location: 17q21.31.
Variant type: Duplication.
Coding change: c.3825dup on transcript NM_007294.4 (MANE Select); coding-DNA position 3825, one base duplicated (A; older notation c.3825dupA).
Protein change: p.Leu1276fs; shifts the reading frame from leucine 1276.
Molecular consequence: frameshift variant. On other transcripts: intron variant (135).
Genome position (GRCh38, 1-based): chr17:43,091,706, T duplicated on the plus strand (A on the coding strand, the reverse complement: BRCA1 is on the minus strand). VCF-style (leftmost placement, unchanged base first): chr17-43091705-A-AT. GRCh37 (hg19) VCF-style: chr17-41243722-A-AT.
Other names: 3944insA; c.3825dupA (NM_007294.3, NM_007294.4); c.3684dup, p.Leu1229fs (NM_001407944.1, NM_001407945.1, NM_007297.4 and 29 more transcripts); c.3492dup, p.Leu1165fs (NM_001407946.1, NM_001407947.1, NM_001407948.1 and 6 more transcripts); c.3489dup, p.Leu1164fs (NM_001407954.1, NM_001407955.1, NM_001407956.1 and 1 more transcripts); c.3444dup, p.Leu1149fs (NM_001407959.1, NM_001407960.1, NM_001407963.1); c.3441dup, p.Leu1148fs (NM_001407962.1); c.3681dup, p.Leu1228fs (NM_001407964.1, NM_001407740.1, NM_001407741.1 and 20 more transcripts); and 43 more; short protein forms L1229fs, L1276fs, L1188fs, L1209fs, L1235fs, L1249fs, L1250fs, L980fs.
Identifiers: ClinVar variation 37550 (VCV000037550.4), dbSNP rs397507220, ClinGen allele CA002465.